The following is an entry in ClinVar:

ClinVar aggregate classification (germline): Conflicting classifications of pathogenicity. Review status: criteria provided, conflicting classifications (1 of 4 stars). 2 submissions from 2 submitters: Uncertain significance (1); Likely benign (1). Last evaluated 2025-09-10.

Conditions:
Inborn genetic diseases. Identifiers: MedGen C0950123, MeSH D030342.
Intellectual developmental disorder, autosomal dominant 6, with or without seizures. Also called: Intellectual disability, autosomal dominant 6; GRIN2B-related developmental delay, intellectual disability and autism spectrum disorder. Identifiers: Orphanet 589547, MedGen C3151411, MONDO:0013509, OMIM 613970.
Developmental and epileptic encephalopathy, 27 (DEE27). Also called: GRIN2B-Related Neurodevelopmental Disorder; Epileptic encephalopathy, early infantile, 27. Identifiers: Orphanet 3451, MedGen C4015316, MONDO:0014505, OMIM 616139.

Allele frequency attached by ClinVar (database versions not stated): 1000 Genomes Project 30x 0.00016; gnomAD exomes 0.00002; TOPMed 0.00002; gnomAD 0.00003 and 0.00008; 1000 Genomes Project 0.00020; ExAC 0.00005.
gnomAD v4.1: 291 of 1,549,282 alleles (0.019%); highest among the groups gnomAD compares: East Asian, 0.64%; 4 homozygotes.

Submissions (2):

Labcorp Genetics (formerly Invitae), Labcorp
Classification: Likely benign for Developmental and epileptic encephalopathy, 27; Intellectual developmental disorder, autosomal dominant 6, with or without seizures. Last evaluated: 2025-09-10. Review status: criteria provided, single submitter. Criteria: Invitae Variant Classification Sherloc (09022015). Collection method: clinical testing. Allele origin: germline.

Ambry Genetics
Classification: Uncertain significance for Inborn genetic diseases. Last evaluated: 2016-11-09. Review status: criteria provided, single submitter. Criteria: Ambry Variant Classification Scheme 2023. Collection method: clinical testing. Allele origin: germline.
Comment: The c.1125+5G>A intronic variant results from a G to A substitution 5 nucleotides after coding exon 3 in the GRIN2B gene. This variant was previously reported in the SNPDatabase as rs3751257. Based on data from the 1000 Genomes Project, the A allele has an overall frequency of approximately 0.05% (1/2098) total alleles studied. The highest observed frequency was 0.52% (1/194) Han Chinese alleles. This nucleotide position is highly conserved in available vertebrate species. Using the BDGP and ESEfinder splice site prediction tools, this alteration is predicted to weaken the efficiency of the native splice donor site; however, direct evidence is unavailable. Since supporting evidence is limited at this time, the clinical significance of this alteration remains unclear.

NM_000834.5(GRIN2B):c.1125+5G>A

Gene: GRIN2B (glutamate ionotropic receptor NMDA type subunit 2B; minus strand). Cytogenetic location: 12p13.1.
Variant type: single nucleotide variant.
Coding change: c.1125+5G>A on transcript NM_000834.5 (MANE Select); 5 bases into the intron after coding-DNA position 1125, G replaced by A.
Molecular consequence: intron variant.
Genome position (GRCh38, 1-based): chr12:13,675,740, C>T on the plus strand (G>A on the coding strand, the complement: GRIN2B is on the minus strand). VCF-style: chr12-13675740-C-T. GRCh37 (hg19) VCF-style: chr12-13828674-C-T.
Identifiers: ClinVar variation 589449 (VCV000589449.13), dbSNP rs3751257, ClinGen allele CA6461308.